The following is an entry in ClinVar:

ClinVar aggregate classification (germline): Conflicting classifications of pathogenicity. Review status: criteria provided, conflicting classifications (1 of 4 stars). 13 submissions from 13 submitters: Uncertain significance (1); Benign (1); Likely benign (10). 1 of the submissions does not count toward it. Last evaluated 2026-01-25.

Conditions:
Cardiovascular phenotype. Identifiers: MedGen CN230736.
Arrhythmogenic right ventricular cardiomyopathy (ARVD). Also called: Arrhythmogenic right ventricular dysplasia; Cardiomyopathy, ARVC; Arrhythmogenic cardiomyopathy; Arrhythmogenic Right Ventricular Cardiomyopathy (ARVC). Identifiers: Orphanet 247, MedGen C0349788, MeSH D019571, MONDO:0016587. Disease mechanism: loss of function. Inheritance: Various modes of inheritance.
Cardiomyopathy (CMYO). Also called: Cardiomyopathies. Identifiers: Orphanet 167848, MedGen C0878544, MONDO:0004994, HP:0001638. Inheritance: Various modes of inheritance.
Arrhythmogenic right ventricular dysplasia 9 (ARVD9). Also called: Arrhythmogenic Right Ventricular Dysplasia/Cardiomyopathy 9; ARRHYTHMOGENIC RIGHT VENTRICULAR DYSPLASIA, FAMILIAL, 9. Identifiers: MedGen C1836906, MONDO:0012180, OMIM 609040.

Allele frequency attached by ClinVar (database versions not stated): gnomAD exomes 0.00013 and 0.00032; gnomAD 0.00014 and 0.00015; ExAC 0.00015; TOPMed 0.00017.
gnomAD v4.1: 464 of 1,573,638 alleles (0.029%); highest among the groups gnomAD compares: Non-Finnish European, 0.039%; no homozygotes.

Submissions (13):

Labcorp Genetics (formerly Invitae), Labcorp
Classification: Likely benign for Arrhythmogenic right ventricular dysplasia 9. Last evaluated: 2026-01-25. Review status: criteria provided, single submitter. Criteria: Invitae Variant Classification Sherloc (09022015). Collection method: clinical testing. Allele origin: germline.

CeGaT Center for Human Genetics Tuebingen
Classification: Likely benign. Last evaluated: 2025-05-01. Review status: criteria provided, single submitter. Criteria: CeGaT Center For Human Genetics Tuebingen Variant Classification Criteria Version 2. Collection method: clinical testing. Allele origin: germline. Affected: yes. Observed: 1 variant allele.
Comment: PKP2: BP4, BP7

Laboratory of Genetics, Children's Clinical University Hospital Latvia
Classification: Likely benign. Last evaluated: 2025-02-16. Review status: criteria provided, single submitter. Criteria: ACMG Guidelines, 2015. Collection method: clinical testing. Allele origin: germline. Affected: yes.

Blueprint Genetics
Classification: Likely benign. Last evaluated: 2024-02-08. Review status: criteria provided, single submitter. Criteria: ACMG Guidelines, 2015. Collection method: clinical testing. Allele origin: germline.

All of Us Research Program, National Institutes of Health
Classification: Likely benign for Arrhythmogenic right ventricular cardiomyopathy. Last evaluated: 2023-12-01. Review status: criteria provided, single submitter. Criteria: ACMG Guidelines, 2015. Collection method: clinical testing. Allele origin: germline. Inheritance: Autosomal dominant inheritance. Observed: 47 variant alleles, 47 heterozygotes.
Comment: This study involves interpretation of variants in research participants for the purpose of population health screening. Participant phenotype was not available at the time of variant classification. Additional details can be found in publication PMID: 35346344, PMCID: PMC8962531

ARUP Laboratories, Molecular Genetics and Genomics, ARUP Laboratories
Classification: Likely benign for Arrhythmogenic right ventricular dysplasia 9. Last evaluated: 2021-04-23. Review status: criteria provided, single submitter. Criteria: ARUP Molecular Germline Variant Investigation Process 2021. Collection method: clinical testing. Allele origin: germline.

Color Diagnostics, LLC DBA Color Health
Classification: Likely benign for Cardiomyopathy. Last evaluated: 2018-10-02. Review status: criteria provided, single submitter. Criteria: ACMG Guidelines, 2015. Collection method: clinical testing. Allele origin: germline.

Illumina Laboratory Services, Illumina
Classification: Uncertain significance for Arrhythmogenic right ventricular dysplasia 9. Last evaluated: 2018-01-12. Review status: criteria provided, single submitter. Criteria: ICSL Variant Classification Criteria 13 December 2019. Collection method: clinical testing. Allele origin: germline.

Genome Diagnostics Laboratory, University Medical Center Utrecht
Classification: Likely benign for Arrhythmogenic right ventricular dysplasia 9. Last evaluated: 2017-07-28. Review status: criteria provided, single submitter. Criteria: ACGS Guidelines, 2013. Collection method: clinical testing. Allele origin: germline. Affected: yes. Study: VKGL Data-share Consensus.

Ambry Genetics
Classification: Likely benign for Cardiovascular phenotype. Last evaluated: 2016-07-13. Review status: criteria provided, single submitter. Criteria: Ambry Variant Classification Scheme 2023. Collection method: clinical testing. Allele origin: germline.

Laboratory for Molecular Medicine, Mass General Brigham Personalized Medicine
Classification: Likely benign. Last evaluated: 2015-05-27. Review status: criteria provided, single submitter. Criteria: LMM Criteria. Collection method: clinical testing. Allele origin: germline. Observed: 3 variant alleles.
Comment: p.Ala65Ala in exon 1 of PKP2: This variant is not expected to have clinical sign ificance because it does not alter an amino acid residue and is not located with in the splice consensus sequence. It has been identified in 14/52344 European ch romosomes by the Exome Aggregation Consortium (ExAC. org; dbSNP rs397517014).

GeneDx
Classification: Benign. Last evaluated: 2014-03-22. Review status: criteria provided, single submitter. Criteria: GeneDx Variant Classification (06012015). Collection method: clinical testing. Allele origin: germline. Affected: yes.
Comment: This variant is considered likely benign or benign based on one or more of the following criteria: it is a conservative change, it occurs at a poorly conserved position in the protein, it is predicted to be benign by multiple in silico algorithms, and/or has population frequency not consistent with disease.

Clinical Genetics, Academic Medical Center
Classification: Benign. Review status: no assertion criteria provided. Collection method: clinical testing. Allele origin: germline. Affected: yes. Study: VKGL Data-share Consensus. Not counted in ClinVar's aggregate classification.

NM_001005242.3(PKP2):c.195C>T (p.Ala65=)

Gene: PKP2 (plakophilin 2; minus strand). Cytogenetic location: 12p11.21.
Variant type: single nucleotide variant.
Coding change: c.195C>T on transcript NM_001005242.3 (MANE Select); coding-DNA position 195, C replaced by T.
Protein change: p.Ala65=; no amino-acid change (alanine 65 retained).
Molecular consequence: synonymous variant.
Genome position (GRCh38, 1-based): chr12:32,896,537, G>A on the plus strand (C>T on the coding strand, the complement: PKP2 is on the minus strand). VCF-style: chr12-32896537-G-A. GRCh37 (hg19) VCF-style: chr12-33049471-G-A.
Other names: p.A65A:GCC>GCT; c.195C>T, p.Ala65= (NM_004572.4).
Identifiers: ClinVar variation 45052 (VCV000045052.46), dbSNP rs397517014, ClinGen allele CA011590.